The following is an entry in ClinVar:

NM_025114.4(CEP290):c.4194+9T>G

Gene: CEP290 (centrosomal protein 290; minus strand). Cytogenetic location: 12q21.32.
Variant type: single nucleotide variant.
Coding change: c.4194+9T>G on transcript NM_025114.4 (MANE Select); 9 bases into the intron after coding-DNA position 4194, T replaced by G.
Molecular consequence: intron variant.
Genome position (GRCh38, 1-based): chr12:88,087,771, A>C on the plus strand (T>G on the coding strand, the complement: CEP290 is on the minus strand). VCF-style: chr12-88087771-A-C. GRCh37 (hg19) VCF-style: chr12-88481548-A-C.
Identifiers: ClinVar variation 4991340 (VCV004991340.1).

ClinVar aggregate classification (germline): Likely benign (1 of 4 stars; one submission).

Conditions:
CEP290-related disorder. Also called: CEP290-related condition; CEP290-related disorders. Identifiers: MedGen CN239314.

Submission:

PreventionGenetics, part of Exact Sciences
Classification: Likely benign for CEP290-related condition. Last evaluated: 2026-06-12. Review status: criteria provided, single submitter. Criteria: ACMG Guidelines, 2015. Collection method: clinical testing. Allele origin: germline.
Comment: This variant is classified as likely benign based on ACMG/AMP sequence variant interpretation guidelines (Richards et al. 2015 PMID: 25741868, with internal and published modifications).